The following is an entry in ClinVar:

ClinVar aggregate classification (germline): Pathogenic (1 of 4 stars; one submission).

Submission:

Labcorp Genetics (formerly Invitae), Labcorp
Classification: Pathogenic. Last evaluated: 2023-07-19. Review status: criteria provided, single submitter. Criteria: Invitae Variant Classification Sherloc (09022015). Collection method: clinical testing. Allele origin: germline.
Comment: For these reasons, this variant has been classified as Pathogenic. This variant has not been reported in the literature in individuals affected with POLE-related conditions. This variant is not present in population databases (gnomAD no frequency). This sequence change creates a premature translational stop signal (p.Trp669*) in the POLE gene. It is expected to result in an absent or disrupted protein product. Loss-of-function variants in POLE are known to be pathogenic (PMID: 23230001, 25948378, 30503519).

Literature cited by the submitters: PubMed 23230001; PubMed 25948378; PubMed 30503519.

NM_006231.4(POLE):c.2006G>A (p.Trp669Ter)

Gene: POLE (DNA polymerase epsilon, catalytic subunit; minus strand). Cytogenetic location: 12q24.33.
Variant type: single nucleotide variant.
Coding change: c.2006G>A on transcript NM_006231.4 (MANE Select); coding-DNA position 2006, G replaced by A.
Protein change: p.Trp669Ter; replaces tryptophan 669 with a stop codon.
Molecular consequence: nonsense.
Genome position (GRCh38, 1-based): chr12:132,668,655, C>T on the plus strand (G>A on the coding strand, the complement: POLE is on the minus strand). VCF-style: chr12-132668655-C-T. GRCh37 (hg19) VCF-style: chr12-133245241-C-T.
Other names: short protein forms W669*.
Identifiers: ClinVar variation 2833741 (VCV002833741.3), dbSNP rs2542101554, ClinGen allele CA387354743.